The following is an entry in ClinVar:

NM_002085.5(GPX4):c.502-1_508del

Gene: GPX4 (glutathione peroxidase 4; plus strand). Cytogenetic location: 19p13.3.
Variant type: Deletion.
Coding change: c.502-1_508del on transcript NM_002085.5 (MANE Select); the canonical splice acceptor site of the intron before coding-DNA position 502 through coding-DNA position 508, 8 bases deleted (GTTCCTCA; older notation c.502-1_508delGTTCCTCA).
Molecular consequence: splice acceptor variant. On other transcripts: frameshift variant (1).
Genome position (GRCh38, 1-based): chr19:1,106,399-1,106,406, GTTCCTCA deleted; deleting any 8 consecutive bases within chr19:1,106,397-1,106,406 gives the same sequence; the c. name uses the placement nearest the transcript's 3' end. VCF-style (leftmost placement, unchanged base first): chr19-1106396-ACAGTTCCT-A. GRCh37 (hg19) VCF-style: chr19-1106395-ACAGTTCCT-A.
Other names: c.523_530del, p.Val175fs (NM_001039847.3); c.421-1_427del (NM_001367832.1); c.613-1_619del (NM_001039848.4); short protein forms V175fs.
Identifiers: ClinVar variation 2776240 (VCV002776240.3), dbSNP rs2079656641, ClinGen allele CA2317520637.
Genomic context (GRCh38, chr19:1,106,396, plus strand): 5'-CAGGAAGGGCAGCCTCAGCCCCTTGCAGGGGTGGCCCCACAGTTTGGACACCGTCTCTCC[ACAGTTCCT>A]CATCGACAAGAACGGCTGCGTGGTGAAGCGCTACGGACCCATGGAGGAGCCCCTGGTAGG-3'

ClinVar aggregate classification (germline): Likely pathogenic (1 of 4 stars; one submission).

Submission:

Labcorp Genetics (formerly Invitae), Labcorp
Classification: Likely pathogenic. Last evaluated: 2023-10-04. Review status: criteria provided, single submitter. Criteria: Invitae Variant Classification Sherloc (09022015). Collection method: clinical testing. Allele origin: germline.
Comment: This variant results in the deletion of part of exon 6 (c.613-1_619del) of the GPX4 gene. It is expected to disrupt RNA splicing. Variants that disrupt the donor or acceptor splice site typically lead to a loss of protein function (PMID: 16199547), and loss-of-function variants in GPX4 are known to be pathogenic (PMID: 24706940). This variant is not present in population databases (gnomAD no frequency). This variant has not been reported in the literature in individuals affected with GPX4-related conditions. In summary, the currently available evidence indicates that the variant is pathogenic, but additional data are needed to prove that conclusively. Therefore, this variant has been classified as Likely Pathogenic.

Literature cited by the submitters: PubMed 16199547; PubMed 24706940.